The following is an entry in ClinVar:

NM_000478.6(ALPL):c.744C>T (p.Asp248=)

Gene: ALPL (alkaline phosphatase, biomineralization associated; plus strand). Cytogenetic location: 1p36.12.
Variant type: single nucleotide variant.
Coding change: c.744C>T on transcript NM_000478.6 (MANE Select); coding-DNA position 744, C replaced by T.
Protein change: p.Asp248=; no amino-acid change (aspartic acid 248 retained).
Molecular consequence: synonymous variant.
Genome position (GRCh38, 1-based): chr1:21,568,199, C>T. VCF-style: chr1-21568199-C-T. GRCh37 (hg19) VCF-style: chr1-21894692-C-T.
Other names: c.579C>T, p.Asp193= (NM_001127501.4); c.513C>T, p.Asp171= (NM_001177520.3); c.744C>T, p.Asp248= (NM_001369803.2, NM_001369804.2, NM_001369805.2).
Identifiers: ClinVar variation 256230 (VCV000256230.24), dbSNP rs188689330, ClinGen allele CA666592.

ClinVar aggregate classification (germline): Benign/Likely benign. Review status: criteria provided, multiple submitters, no conflicts (2 of 4 stars). 9 submissions from 9 submitters: Benign (1); Likely benign (7). 1 of the submissions does not count toward it. Last evaluated 2026-09-01.

Conditions:
Hypophosphatasia. Also called: Phosphoethanol-aminuria. Identifiers: Orphanet 436, MedGen C0020630, MeSH D007014, MONDO:0018570.

Allele frequency attached by ClinVar (database versions not stated): gnomAD exomes 0.00014 and 0.00023; ExAC 0.00021; ESP Exome Variant Server 0.00023; gnomAD 0.00047 and 0.00050; TOPMed 0.00055; 1000 Genomes Project 30x 0.00062; 1000 Genomes Project 0.00080.
gnomAD v4.1: 303 of 1,614,034 alleles (0.019%); highest among the groups gnomAD compares: Middle Eastern, 0.13%; 2 homozygotes.

Submissions (9):

Genomenon, Inc
Classification: Likely benign for Hypophosphatasia. Last evaluated: 2026-09-01. Review status: criteria provided, single submitter. Criteria: Genomenon Sequence Variant Interpretation Standards - Updated. Collection method: curation. Allele origin: germline. Affected: no.
Comment: ALPL c.744C>T is a synonymous variant that retains Aspartic acid at codon 248. This variant has been reported in the published literature (PMID:41021020). This variant is not predicted to impact splicing. In conclusion, we classify ALPL p.Asp248= (c.744C>T) as a likely benign variant.

Labcorp Genetics (formerly Invitae), Labcorp
Classification: Likely benign. Last evaluated: 2026-01-21. Review status: criteria provided, single submitter. Criteria: Invitae Variant Classification Sherloc (09022015). Collection method: clinical testing. Allele origin: germline.

CeGaT Center for Human Genetics Tuebingen
Classification: Likely benign. Last evaluated: 2025-11-01. Review status: criteria provided, single submitter. Criteria: CeGaT Center For Human Genetics Tuebingen Variant Classification Criteria Version 2. Collection method: clinical testing. Allele origin: germline. Affected: yes. Observed: 1 variant allele.
Comment: ALPL: BP4, BP7

Blueprint Genetics
Classification: Likely benign. Last evaluated: 2024-09-09. Review status: criteria provided, single submitter. Criteria: ACMG Guidelines, 2015. Collection method: clinical testing. Allele origin: germline.

Athena Diagnostics
Classification: Benign. Last evaluated: 2020-05-11. Review status: criteria provided, single submitter. Criteria: Athena Diagnostics Criteria. Collection method: clinical testing. Allele origin: unknown.

Women's Health and Genetics/Laboratory Corporation of America, LabCorp
Classification: Likely benign. Last evaluated: 2019-08-20. Review status: criteria provided, single submitter. Criteria: LabCorp Variant Classification Summary - May 2015. Collection method: clinical testing. Allele origin: germline.

Breakthrough Genomics
Classification: Likely benign. Review status: criteria provided, single submitter. Criteria: ACMG Guidelines, 2015. Collection method: not provided. Allele origin: germline. Inheritance: Autosomal recessive inheritance. Affected: yes.

PreventionGenetics, part of Exact Sciences
Classification: Likely benign. Review status: criteria provided, single submitter. Criteria: ACMG Guidelines, 2015. Collection method: clinical testing. Allele origin: germline.

Department of Pathology and Laboratory Medicine, Sinai Health System
Classification: Likely benign. Review status: no assertion criteria provided. Collection method: clinical testing. Allele origin: unknown. Affected: yes. Study: The Canadian Open Genetics Repository (COGR). Not counted in ClinVar's aggregate classification.
Comment: The ALPL p.Asp171Asp variant was not identified in the literature nor was it identified in the COGR, Cosmic, MutDB or LOVD 3.0 databases. The variant was identified in dbSNP (ID: rs188689330) and ClinVar (classified as likely benign by Prevention Genetics). The variant was identified in control databases in 78 of 282744 chromosomes at a frequency of 0.000276 (Genome Aggregation Database Feb 27, 2017). The variant was observed in the following populations: Other in 7 of 7222 chromosomes (freq: 0.000969), Latino in 29 of 35432 chromosomes (freq: 0.000819), African in 11 of 24944 chromosomes (freq: 0.000441) and European (non-Finnish) in 31 of 129096 chromosomes (freq: 0.00024), but was not observed in the Ashkenazi Jewish, East Asian, European (Finnish), and South Asian populations. The p.Asp171Asp variant is not expected to have clinical significance because it does not result in a change of amino acid and is not located in a known consensus splice site. The variant occurs outside of the splicing consensus sequence and in silico or computational prediction software programs (SpliceSiteFinder, MaxEntScan, NNSPLICE, GeneSplicer) do not predict a difference in splicing. In summary, based on the above information the clinical significance of this variant cannot be determined with certainty at this time although we would lean towards a more benign role for this variant. This variant is classified as likely benign.

Literature cited by the submitters: PubMed 41021020 (cited by Genomenon, Inc).